The following is an entry in ClinVar:

ClinVar aggregate classification (germline): Uncertain significance. Review status: criteria provided, multiple submitters, no conflicts (2 of 4 stars). 3 submissions from 3 submitters: Uncertain significance (3). Last evaluated 2025-03-17.

Allele frequency attached by ClinVar (database versions not stated): gnomAD 0.00001; gnomAD exomes 0.00001; TOPMed 0.00001.
gnomAD v4.1: 9 of 1,550,332 alleles (0.00058%); highest among the groups gnomAD compares: Non-Finnish European, 0.00078%; no homozygotes.

Submissions (3):

Labcorp Genetics (formerly Invitae), Labcorp
Classification: Uncertain significance. Last evaluated: 2025-03-17. Review status: criteria provided, single submitter. Criteria: Invitae Variant Classification Sherloc (09022015). Collection method: clinical testing. Allele origin: germline.
Comment: This sequence change replaces isoleucine, which is neutral and non-polar, with asparagine, which is neutral and polar, at codon 600 of the PDZD7 protein (p.Ile600Asn). This variant is present in population databases (no rsID available, gnomAD 0.002%). This variant has not been reported in the literature in individuals affected with PDZD7-related conditions. ClinVar contains an entry for this variant (Variation ID: 1024785). Invitae Evidence Modeling of protein sequence and biophysical properties (such as structural, functional, and spatial information, amino acid conservation, physicochemical variation, residue mobility, and thermodynamic stability) indicates that this missense variant is not expected to disrupt PDZD7 protein function with a negative predictive value of 80%. In summary, the available evidence is currently insufficient to determine the role of this variant in disease. Therefore, it has been classified as a Variant of Uncertain Significance.

Blueprint Genetics
Classification: Uncertain significance. Last evaluated: 2024-03-20. Review status: criteria provided, single submitter. Criteria: ACMG Guidelines, 2015. Collection method: clinical testing. Allele origin: germline.

GeneDx
Classification: Uncertain significance. Last evaluated: 2022-06-07. Review status: criteria provided, single submitter. Criteria: GeneDx Variant Classification Process June 2021. Collection method: clinical testing. Allele origin: germline. Affected: yes.
Comment: Not observed at significant frequency in large population cohorts (gnomAD); In silico analysis supports that this missense variant has a deleterious effect on protein structure/function; Has not been previously published as pathogenic or benign to our knowledge

NM_001195263.2(PDZD7):c.1799T>A (p.Ile600Asn)

Gene: PDZD7 (PDZ domain containing 7; minus strand). Cytogenetic location: 10q24.31.
Variant type: single nucleotide variant.
Coding change: c.1799T>A on transcript NM_001195263.2 (MANE Select); coding-DNA position 1799, T replaced by A.
Protein change: p.Ile600Asn; replaces isoleucine 600 with asparagine.
Molecular consequence: missense variant.
Genome position (GRCh38, 1-based): chr10:101,012,209, A>T on the plus strand (T>A on the coding strand, the complement: PDZD7 is on the minus strand). VCF-style: chr10-101012209-A-T. GRCh37 (hg19) VCF-style: chr10-102771966-A-T.
Other names: short protein forms I600N.
Identifiers: ClinVar variation 1024785 (VCV001024785.12), dbSNP rs1384928452, ClinGen allele CA378226553.